The following is an entry in ClinVar:

ClinVar aggregate classification (germline): Uncertain significance. Review status: criteria provided, multiple submitters, no conflicts (2 of 4 stars). 2 submissions from 2 submitters: Uncertain significance (2). Last evaluated 2024-11-21.

Conditions:
Hereditary cancer-predisposing syndrome. Also called: Neoplastic Syndromes, Hereditary; Tumor predisposition; Hereditary Cancer Syndrome; Hereditary neoplastic syndrome. Identifiers: Orphanet 140162, MedGen C0027672, MeSH D009386, MONDO:0015356.
Gastrointestinal stromal tumor. Also called: Gastrointestinal stromal tumor, somatic; Gastrointestinal stroma tumor. Identifiers: Orphanet 44890, MedGen C0238198, MeSH D046152, MONDO:0011719, OMIM 606764, HP:0100723.

Submissions (2):

Ambry Genetics
Classification: Uncertain significance for Hereditary cancer-predisposing syndrome. Last evaluated: 2024-11-21. Review status: criteria provided, single submitter. Criteria: Ambry Variant Classification Scheme 2023. Collection method: clinical testing. Allele origin: germline.
Comment: The p.C788Y variant (also known as c.2363G>A), located in coding exon 17 of the KIT gene, results from a G to A substitution at nucleotide position 2363. The cysteine at codon 788 is replaced by tyrosine, an amino acid with highly dissimilar properties. This amino acid position is conserved. In addition, this alteration is predicted to be deleterious by in silico analysis. Based on the available evidence, the clinical significance of this variant remains unclear.

Labcorp Genetics (formerly Invitae), Labcorp
Classification: Uncertain significance for Gastrointestinal stromal tumor. Last evaluated: 2023-03-21. Review status: criteria provided, single submitter. Criteria: Invitae Variant Classification Sherloc (09022015). Collection method: clinical testing. Allele origin: germline.
Comment: This variant is not present in population databases (gnomAD no frequency). In summary, the available evidence is currently insufficient to determine the role of this variant in disease. Therefore, it has been classified as a Variant of Uncertain Significance. An algorithm developed to predict the effect of missense changes on protein structure and function (PolyPhen-2) suggests that this variant is likely to be disruptive. This variant has not been reported in the literature in individuals affected with KIT-related conditions. This sequence change replaces cysteine, which is neutral and slightly polar, with tyrosine, which is neutral and polar, at codon 788 of the KIT protein (p.Cys788Tyr).

NM_000222.3(KIT):c.2363G>A (p.Cys788Tyr)

Gene: KIT (KIT proto-oncogene, receptor tyrosine kinase; plus strand). Cytogenetic location: 4q12.
Variant type: single nucleotide variant.
Coding change: c.2363G>A on transcript NM_000222.3 (MANE Select); coding-DNA position 2363, G replaced by A.
Protein change: p.Cys788Tyr; replaces cysteine 788 with tyrosine.
Molecular consequence: missense variant.
Genome position (GRCh38, 1-based): chr4:54,733,071, G>A. VCF-style: chr4-54733071-G-A. GRCh37 (hg19) VCF-style: chr4-55599237-G-A.
Other names: c.2351G>A, p.Cys784Tyr (NM_001093772.2, NM_001385292.1); c.2366G>A, p.Cys789Tyr (NM_001385284.1); c.2360G>A, p.Cys787Tyr (NM_001385285.1); c.2348G>A, p.Cys783Tyr (NM_001385286.1); c.2354G>A, p.Cys785Tyr (NM_001385288.1); c.2363G>A, p.Cys788Tyr (NM_001385290.1); short protein forms C785Y, C783Y, C784Y, C787Y, C788Y, C789Y.
Identifiers: ClinVar variation 2831562 (VCV002831562.4), dbSNP rs2109800945, ClinGen allele CA356911337.
Genomic context (GRCh38, chr4:54,733,071, plus strand): 5'-TCACTCTTTACAAGTTAAAATGAATTTAAATGGTTTTCTTTTCTCCTCCAACCTAATAGT[G>A]TATTCACAGAGACTTGGCAGCCAGAAATATCCTCCTTACTCATGGTCGGATCACAAAGAT-3'
Protein context (NP_000213.1, residues 778-798): KGMAFLASKN[Cys788Tyr]IHRDLAARNI